The following is an entry in ClinVar:

ClinVar aggregate classification (germline): Uncertain significance (1 of 4 stars; one submission).

Conditions:
Cardiomyopathy (CMYO). Also called: Cardiomyopathies. Identifiers: Orphanet 167848, MedGen C0878544, MONDO:0004994, HP:0001638. Inheritance: Various modes of inheritance.

Allele frequency attached by ClinVar (database versions not stated): gnomAD exomes below 0.00001.
gnomAD v4.1: 1 of 1,613,992 alleles (0.000062%); highest among the groups gnomAD compares: Non-Finnish European, 0.000085%; no homozygotes.

Submission:

Color Diagnostics, LLC DBA Color Health
Classification: Uncertain significance for Cardiomyopathy. Last evaluated: 2023-12-04. Review status: criteria provided, single submitter. Criteria: ACMG Guidelines, 2015. Collection method: clinical testing. Allele origin: germline.
Comment: Variant of Uncertain Significance due to insufficient evidence: This missense variant is located in the extracellular cadherin domain 3 of the DSC2 protein. Computational prediction tools and conservation analyses are inconclusive regarding the impact of this variant on the protein function. Computational splicing tools suggest that this variant may not impact RNA splicing. To our knowledge, functional assays have not been performed for this variant nor has this variant been reported in individuals affected with cardiovascular disorders in the literature. This variant is rare in the general population and has been identified in 0/277264 chromosomes by the Genome Aggregation Database (gnomAD). Available evidence is insufficient to determine the role of this variant in disease conclusively.

NM_024422.6(DSC2):c.1322C>T (p.Ala441Val)

Gene: DSC2 (desmocollin 2; minus strand). Cytogenetic location: 18q12.1.
Variant type: single nucleotide variant.
Coding change: c.1322C>T on transcript NM_024422.6 (MANE Select); coding-DNA position 1322, C replaced by T.
Protein change: p.Ala441Val; replaces alanine 441 with valine.
Molecular consequence: missense variant.
Genome position (GRCh38, 1-based): chr18:31,080,294, G>A on the plus strand (C>T on the coding strand, the complement: DSC2 is on the minus strand). VCF-style: chr18-31080294-G-A. GRCh37 (hg19) VCF-style: chr18-28660260-G-A.
Other names: c.1322C>T, p.Ala441Val (NM_004949.5); short protein forms A441V.
Identifiers: ClinVar variation 927600 (VCV000927600.5), dbSNP rs1987173725, ClinGen allele CA402108789.